The following is an entry in ClinVar:

ClinVar aggregate classification (germline): Uncertain significance. Review status: criteria provided, multiple submitters, no conflicts (2 of 4 stars). 5 submissions from 5 submitters: Uncertain significance (4). 1 of the submissions does not count toward it. Last evaluated 2025-08-15.

Conditions:
Hereditary cancer-predisposing syndrome. Also called: Tumor predisposition; Neoplastic Syndromes, Hereditary; Hereditary Cancer Syndrome; Hereditary neoplastic syndrome. Identifiers: Orphanet 140162, MedGen C0027672, MeSH D009386, MONDO:0015356.
Microcephaly, normal intelligence and immunodeficiency (NBS). Also called: BERLIN BREAKAGE SYNDROME; Ataxia telangiectasia variant V1; IMMUNODEFICIENCY, MICROCEPHALY, AND CHROMOSOMAL INSTABILITY; SEEMANOVA SYNDROME II; Immunodeficiency, microcephaly with normal intelligence; Nijmegen breakage syndrome. Identifiers: Orphanet 647, MedGen C0398791, MONDO:0009623, OMIM 251260.

Allele frequency attached by ClinVar (database versions not stated): gnomAD exomes below 0.00001 and 0.00001; ExAC 0.00002.
gnomAD v4.1: 2 of 1,614,122 alleles (0.00012%); highest among the groups gnomAD compares: Non-Finnish European, 0.00017%; no homozygotes.

Submissions (5):

Ambry Genetics
Classification: Uncertain significance for Hereditary cancer-predisposing syndrome. Last evaluated: 2025-08-15. Review status: criteria provided, single submitter. Criteria: Ambry Variant Classification Scheme 2023. Collection method: clinical testing. Allele origin: germline.
Comment: The p.N359S variant (also known as c.1076A>G), located in coding exon 9 of the NBN gene, results from an A to G substitution at nucleotide position 1076. The asparagine at codon 359 is replaced by serine, an amino acid with highly similar properties. This amino acid position is highly conserved in available vertebrate species. In addition, this alteration is predicted to be tolerated by in silico analysis. Since supporting evidence is limited at this time, the clinical significance of this alteration remains unclear.

Genome-Nilou Lab
Classification: Uncertain significance for Microcephaly, normal intelligence and immunodeficiency. Last evaluated: 2021-11-07. Review status: criteria provided, single submitter. Criteria: ACMG Guidelines, 2015. Collection method: clinical testing. Allele origin: germline. Affected: no.

Labcorp Genetics (formerly Invitae), Labcorp
Classification: Uncertain significance for Microcephaly, normal intelligence and immunodeficiency. Last evaluated: 2021-09-01. Review status: criteria provided, single submitter. Criteria: Invitae Variant Classification Sherloc (09022015). Collection method: clinical testing. Allele origin: germline.
Comment: This sequence change replaces asparagine with serine at codon 359 of the NBN protein (p.Asn359Ser). The asparagine residue is highly conserved and there is a small physicochemical difference between asparagine and serine. This variant is present in population databases (rs768886664, ExAC 0.003%). This variant has not been reported in the literature in individuals affected with NBN-related conditions. ClinVar contains an entry for this variant (Variation ID: 492073). Algorithms developed to predict the effect of missense changes on protein structure and function are either unavailable or do not agree on the potential impact of this missense change (SIFT: "Deleterious"; PolyPhen-2: "Possibly Damaging"; Align-GVGD: "Class C15"). In summary, the available evidence is currently insufficient to determine the role of this variant in disease. Therefore, it has been classified as a Variant of Uncertain Significance.

GeneDx
Classification: Uncertain significance. Last evaluated: 2019-05-16. Review status: criteria provided, single submitter. Criteria: GeneDx Variant Classification Process June 2021. Collection method: clinical testing. Allele origin: germline. Affected: yes.
Comment: Not observed at a significant frequency in large population cohorts (Lek et al., 2016); In silico analysis, which includes protein predictors and evolutionary conservation, supports that this variant does not alter protein structure/function; Has not been previously published as pathogenic or benign to our knowledge; In silico analysis, which includes splice predictors and evolutionary conservation, suggests this variant may impact gene splicing. In the absence of RNA/functional studies, the actual effect of this sequence change is unknown.

Natera, Inc.
Classification: Uncertain significance for Nijmegen breakage syndrome. Last evaluated: 2025-02-23. Review status: no assertion criteria provided. Collection method: clinical testing. Allele origin: germline. Not counted in ClinVar's aggregate classification.

NM_002485.5(NBN):c.1076A>G (p.Asn359Ser)

Gene: NBN (nibrin; minus strand). Cytogenetic location: 8q21.3.
Variant type: single nucleotide variant.
Coding change: c.1076A>G on transcript NM_002485.5 (MANE Select); coding-DNA position 1076, A replaced by G.
Protein change: p.Asn359Ser; replaces asparagine 359 with serine.
Molecular consequence: missense variant.
Genome position (GRCh38, 1-based): chr8:89,958,773, T>C on the plus strand (A>G on the coding strand, the complement: NBN is on the minus strand). VCF-style: chr8-89958773-T-C. GRCh37 (hg19) VCF-style: chr8-90971001-T-C.
Other names: c.830A>G, p.Asn277Ser (NM_001024688.3); short protein forms N359S, N277S.
Identifiers: ClinVar variation 492073 (VCV000492073.20), dbSNP rs768886664, ClinGen allele CA4802808.